The following is an entry in ClinVar:

ClinVar aggregate classification (germline): Uncertain significance (1 of 4 stars; one submission).

Conditions:
Kennedy disease (SMAX1). Also called: SPINAL AND BULBAR MUSCULAR ATROPHY, X-LINKED 1; KENNEDY SPINAL AND BULBAR MUSCULAR ATROPHY; Spinal and Bulbar Muscular Atrophy. Identifiers: Orphanet 481, MedGen C1839259, MONDO:0010735, OMIM 313200.
Androgen resistance syndrome (AIS). Also called: ANDROGEN RECEPTOR DEFICIENCY; DIHYDROTESTOSTERONE RECEPTOR DEFICIENCY; TESTICULAR FEMINIZATION SYNDROME; Androgen insensitivity, complete; Androgen insensitivity syndrome due to coactivator deficiency; Androgen insensitivity syndrome. Identifiers: Orphanet 754, Orphanet 99429, MedGen C0039585, MONDO:0019154, OMIM 300068. Disease mechanism: loss of function.

Allele frequency attached by ClinVar (database versions not stated): gnomAD exomes below 0.00001; gnomAD 0.00001; TOPMed 0.00003.
gnomAD v4.1: 2 of 1,208,578 alleles (0.00017%); highest among the groups gnomAD compares: African/African-American, 0.0035%; no homozygotes.

Submission:

Labcorp Genetics (formerly Invitae), Labcorp
Classification: Uncertain significance for Kennedy disease; Androgen resistance syndrome. Last evaluated: 2023-10-29. Review status: criteria provided, single submitter. Criteria: Invitae Variant Classification Sherloc (09022015). Collection method: clinical testing. Allele origin: germline.
Comment: This sequence change falls in intron 6 of the AR gene. It does not directly change the encoded amino acid sequence of the AR protein. It affects a nucleotide within the consensus splice site. This variant is not present in population databases (gnomAD no frequency). This variant has not been reported in the literature in individuals affected with AR-related conditions. Variants that disrupt the consensus splice site are a relatively common cause of aberrant splicing (PMID: 17576681, 9536098). Algorithms developed to predict the effect of sequence changes on RNA splicing suggest that this variant is not likely to affect RNA splicing. In summary, the available evidence is currently insufficient to determine the role of this variant in disease. Therefore, it has been classified as a Variant of Uncertain Significance.

Literature cited by the submitters: PubMed 17576681; PubMed 9536098.

NM_000044.6(AR):c.2449+3A>G

Gene: AR (androgen receptor; plus strand). Cytogenetic location: Xq12.
Variant type: single nucleotide variant.
Coding change: c.2449+3A>G on transcript NM_000044.6 (MANE Select); 3 bases into the intron after coding-DNA position 2449, A replaced by G.
Molecular consequence: intron variant.
Genome position (GRCh38, 1-based): chrX:67,721,966, A>G. VCF-style: chrX-67721966-A-G. GRCh37 (hg19) VCF-style: chrX-66941808-A-G.
Other names: c.853+3A>G (NM_001011645.3).
Identifiers: ClinVar variation 2922570 (VCV002922570.3), dbSNP rs1448886033, ClinGen allele CA877566231.